The following is an entry in ClinVar:

ClinVar aggregate classification (germline): Conflicting classifications of pathogenicity. Review status: criteria provided, conflicting classifications (1 of 4 stars). 2 submissions from 2 submitters: Uncertain significance (1); Benign (1). Last evaluated 2022-06-27.

Conditions:
MAPT-Related Spectrum Disorders.
Frontotemporal dementia (FTD1). Also called: MULTIPLE SYSTEM TAUOPATHY WITH PRESENILE DEMENTIA; WILHELMSEN-LYNCH DISEASE; FRONTOTEMPORAL DEMENTIA WITH PARKINSONISM; FRONTOTEMPORAL LOBE DEMENTIA; Dementia, frontotemporal, with or without parkinsonism; Frontotemporal lobe dementia (FLDEM). Identifiers: Orphanet 282, MedGen C0338451, MONDO:0017276, OMIM 600274, HP:0002145.

Allele frequency attached by ClinVar (database versions not stated): gnomAD exomes 0.00001; ExAC 0.00002; TOPMed 0.00002.

Submissions (2):

Labcorp Genetics (formerly Invitae), Labcorp
Classification: Uncertain significance for Frontotemporal dementia. Last evaluated: 2022-06-27. Review status: criteria provided, single submitter. Criteria: Invitae Variant Classification Sherloc (09022015). Collection method: clinical testing. Allele origin: germline.
Comment: In summary, the available evidence is currently insufficient to determine the role of this variant in disease. Therefore, it has been classified as a Variant of Uncertain Significance. Algorithms developed to predict the effect of missense changes on protein structure and function are either unavailable or do not agree on the potential impact of this missense change (SIFT: "Deleterious"; PolyPhen-2: "Possibly Damaging"; Align-GVGD: "Class C0"). ClinVar contains an entry for this variant (Variation ID: 889714). This missense change has been observed in individual(s) with MAPT-related conditions (PMID: 25604855). This variant is present in population databases (rs766166210, gnomAD 0.02%). This sequence change replaces arginine, which is basic and polar, with cysteine, which is neutral and slightly polar, at codon 5 of the MAPT protein (p.Arg5Cys).

Illumina Laboratory Services, Illumina
Classification: Benign for MAPT-Related Spectrum Disorders. Last evaluated: 2018-01-12. Review status: criteria provided, single submitter. Criteria: ICSL Variant Classification Criteria 13 December 2019. Collection method: clinical testing. Allele origin: germline.
Comment: This variant was observed in the ICSL laboratory as part of a predisposition screen in an ostensibly healthy population. It had not been previously curated by ICSL or reported in the Human Gene Mutation Database (HGMD: prior to June 1st, 2018), and was therefore a candidate for classification through an automated scoring system. Utilizing variant allele frequency, disease prevalence and penetrance estimates, and inheritance mode, an automated score was calculated to assess if this variant is too frequent to cause the disease. Based on the score and internal cut-off values, a variant classified as benign is not then subjected to further curation. The score for this variant resulted in a classification of benign for this disease.

Literature cited by the submitters: PubMed 25604855 (cited by Labcorp Genetics (formerly Invitae), Labcorp).

NM_001377265.1(MAPT):c.13C>T (p.Arg5Cys)

Gene: MAPT (microtubule associated protein tau). Cytogenetic location: 17q21.31.
Variant type: single nucleotide variant.
Coding change: c.13C>T on transcript NM_001377265.1 (MANE Select); coding-DNA position 13, C replaced by T.
Protein change: p.Arg5Cys; replaces arginine 5 with cysteine.
Molecular consequence: missense variant. On other transcripts: non-coding transcript variant (1).
Genome position (GRCh38, 1-based): chr17:45,962,350, C>T. VCF-style: chr17-45962350-C-T. GRCh37 (hg19) VCF-style: chr17-44039716-C-T.
Other names: c.13C>T, p.Arg5Cys (NM_001123066.4, NM_001123067.4, NM_001203251.2 and 8 more transcripts); short protein forms R5C.
Identifiers: ClinVar variation 889714 (VCV000889714.9), dbSNP rs766166210, ClinGen allele CA8617493.